The following is an entry in ClinVar:

ClinVar aggregate classification (germline): Conflicting classifications of pathogenicity. Review status: criteria provided, conflicting classifications (1 of 4 stars). 5 submissions from 5 submitters: Uncertain significance (4); Likely benign (1). Last evaluated 2026-05-08.

Conditions:
TNXB-related disorder. Also called: TNXB-related condition.
Vesicoureteral reflux 8 (VUR8). Identifiers: Orphanet 289365, MedGen C4014831, MONDO:0014422, OMIM 615963.
Cardiovascular phenotype. Identifiers: MedGen CN230736.

Allele frequency attached by ClinVar (database versions not stated): gnomAD exomes 0.00009 and 0.00015; ExAC 0.00017; gnomAD 0.00031 and 0.00035; TOPMed 0.00032.

Submissions (5):

Women's Health and Genetics/Laboratory Corporation of America, LabCorp
Classification: Uncertain significance. Last evaluated: 2026-05-08. Review status: criteria provided, single submitter. Criteria: LabCorp Variant Classification Summary - May 2015. Collection method: clinical testing. Allele origin: germline.
Comment: Variant summary: TNXB c.9611A>G (p.Gln3204Arg) results in a conservative amino acid change in the encoded protein sequence. Algorithms developed to predict the effect of missense changes on protein structure and function all suggest that this variant is likely to be tolerated. The variant allele was found at a frequency of 0.00015 in 246862 control chromosomes. This frequency is not significantly higher than estimated for disease-causing variants in TNXB, allowing no conclusion about variant significance. To our knowledge, no occurrence of c.9611A>G in individuals affected with TNXB-related conditions and no experimental evidence demonstrating its impact on protein function have been reported. ClinVar contains an entry for this variant (Variation ID: 1254615). Based on the evidence outlined above, the variant was classified as uncertain significance.

GeneDx
Classification: Uncertain significance. Last evaluated: 2025-04-08. Review status: criteria provided, single submitter. Criteria: GeneDx Variant Classification Process June 2021. Collection method: clinical testing. Allele origin: germline. Affected: yes.
Comment: Has not been previously published as pathogenic or benign to our knowledge; In silico analysis indicates that this missense variant does not alter protein structure/function

PreventionGenetics, part of Exact Sciences
Classification: Uncertain significance for TNXB-related condition. Last evaluated: 2024-10-22. Review status: criteria provided, single submitter. Criteria: ACMG Guidelines, 2015. Collection method: clinical testing. Allele origin: germline.
Comment: The TNXB c.9611A>G variant is predicted to result in the amino acid substitution p.Gln3204Arg. To our knowledge, this variant has not been reported in the literature. This variant is reported in 0.078% of alleles in individuals of Ashkenazi Jewish descent in gnomAD. Although we suspect that this variant may be benign, at this time, the clinical significance of this variant is uncertain due to the absence of conclusive functional and genetic evidence.

Ambry Genetics
Classification: Likely benign for Cardiovascular phenotype. Last evaluated: 2024-06-07. Review status: criteria provided, single submitter. Criteria: Ambry Variant Classification Scheme 2023. Collection method: clinical testing. Allele origin: germline.

Revvity Omics, Revvity
Classification: Uncertain significance for Vesicoureteral reflux 8. Last evaluated: 2021-06-30. Review status: criteria provided, single submitter. Criteria: ACMG Guidelines, 2015. Collection method: clinical testing. Allele origin: germline.

NM_001365276.2(TNXB):c.9617A>G (p.Gln3206Arg)

Gene: TNXB (tenascin XB; minus strand). Cytogenetic location: 6p21.33.
Variant type: single nucleotide variant.
Coding change: c.9617A>G on transcript NM_001365276.2 (MANE Select); coding-DNA position 9617, A replaced by G.
Protein change: p.Gln3206Arg; replaces glutamine 3206 with arginine.
Molecular consequence: missense variant.
Genome position (GRCh38, 1-based): chr6:32,049,410, T>C on the plus strand (A>G on the coding strand, the complement: TNXB is on the minus strand). VCF-style: chr6-32049410-T-C. GRCh37 (hg19) VCF-style: chr6-32017187-T-C.
Other names: c.9611A>G, p.Gln3204Arg (NM_019105.8); short protein forms Q3204R, Q3206R.
Identifiers: ClinVar variation 1254615 (VCV001254615.13), dbSNP rs201902411, ClinGen allele CA3733464.